The following is an entry in ClinVar:

ClinVar aggregate classification (germline): Uncertain significance (1 of 4 stars; one submission).

Allele frequency attached by ClinVar (database versions not stated): gnomAD exomes below 0.00001; TOPMed 0.00001; gnomAD 0.00002.
gnomAD v4.1: 3 of 1,205,694 alleles (0.00025%); highest among the groups gnomAD compares: African/African-American, 0.0053%; no homozygotes.

Submission:

Labcorp Genetics (formerly Invitae), Labcorp
Classification: Uncertain significance. Last evaluated: 2023-06-03. Review status: criteria provided, single submitter. Criteria: Invitae Variant Classification Sherloc (09022015). Collection method: clinical testing. Allele origin: germline.
Comment: In summary, the available evidence is currently insufficient to determine the role of this variant in disease. Therefore, it has been classified as a Variant of Uncertain Significance. Algorithms developed to predict the effect of sequence changes on RNA splicing suggest that this variant is not likely to affect RNA splicing. This variant has not been reported in the literature in individuals affected with MID1-related conditions. This variant is not present in population databases (gnomAD no frequency). This sequence change affects codon 338 of the MID1 mRNA. It is a 'silent' change, meaning that it does not change the encoded amino acid sequence of the MID1 protein. It affects a nucleotide within the consensus splice site.

NM_000381.4(MID1):c.1014A>G (p.Arg338=)

Gene: MID1 (midline 1; minus strand). Cytogenetic location: Xp22.2.
Variant type: single nucleotide variant.
Coding change: c.1014A>G on transcript NM_000381.4 (MANE Select); coding-DNA position 1014, A replaced by G.
Protein change: p.Arg338=; no amino-acid change (arginine 338 retained).
Molecular consequence: synonymous variant.
Genome position (GRCh38, 1-based): chrX:10,474,750, T>C on the plus strand (A>G on the coding strand, the complement: MID1 is on the minus strand). VCF-style: chrX-10474750-T-C. GRCh37 (hg19) VCF-style: chrX-10442790-T-C.
Other names: c.1014A>G, p.Arg338= (NM_001098624.2, NM_001193277.1, NM_001193279.1 and 2 more transcripts); c.1167A>G, p.Arg389= (NM_001193278.1); c.900A>G, p.Arg300= (NM_001193280.1, NM_033289.2).
Identifiers: ClinVar variation 2875825 (VCV002875825.3), dbSNP rs1195621175, ClinGen allele CA515488456.